The following is an entry in ClinVar:

NM_001039141.3(TRIOBP):c.1296C>T (p.Cys432=)

Gene: TRIOBP (TRIO and F-actin binding protein; plus strand). Cytogenetic location: 22q13.1.
Variant type: single nucleotide variant.
Coding change: c.1296C>T on transcript NM_001039141.3 (MANE Select); coding-DNA position 1296, C replaced by T.
Protein change: p.Cys432=; no amino-acid change (cysteine 432 retained).
Molecular consequence: synonymous variant.
Genome position (GRCh38, 1-based): chr22:37,723,852, C>T. VCF-style: chr22-37723852-C-T. GRCh37 (hg19) VCF-style: chr22-38119859-C-T.
Other names: c.1296C>T (NM_001039141.2).
Identifiers: ClinVar variation 1530094 (VCV001530094.10), dbSNP rs66505048, ClinGen allele CA10223570.

ClinVar aggregate classification (germline): Likely benign. Review status: criteria provided, multiple submitters, no conflicts (2 of 4 stars). 3 submissions from 3 submitters: Likely benign (3). Last evaluated 2026-07-08.

Conditions:
TRIOBP-related disorder. Also called: TRIOBP-related condition.

Allele frequency attached by ClinVar (database versions not stated): gnomAD exomes 0.00002; gnomAD 0.00035 and 0.00039.

Submissions (3):

PreventionGenetics, part of Exact Sciences
Classification: Likely benign for TRIOBP-related condition. Last evaluated: 2026-07-08. Review status: criteria provided, single submitter. Criteria: ACMG Guidelines, 2015. Collection method: clinical testing. Allele origin: germline.
Comment: This variant is classified as likely benign based on ACMG/AMP sequence variant interpretation guidelines (Richards et al. 2015 PMID: 25741868, with internal and published modifications).

Blueprint Genetics
Classification: Likely benign. Last evaluated: 2024-10-18. Review status: criteria provided, single submitter. Criteria: ACMG Guidelines, 2015. Collection method: clinical testing. Allele origin: germline.

Labcorp Genetics (formerly Invitae), Labcorp
Classification: Likely benign. Last evaluated: 2023-07-17. Review status: criteria provided, single submitter. Criteria: Invitae Variant Classification Sherloc (09022015). Collection method: clinical testing. Allele origin: germline.